The following is an entry in ClinVar:

ClinVar aggregate classification (germline): Uncertain significance (1 of 4 stars; one submission).

Conditions:
Familial visceral amyloidosis, Ostertag type (AMYLD2). Also called: Familial visceral amyloidosis; Ostertag type amyloidosis; AMYLOIDOSIS, HEREDITARY SYSTEMIC 2; Amyloidosis, hepatic and systemic; AMYLOIDOSIS VIII; Hereditary Renal Amyloidosis. Identifiers: Orphanet 85450, MedGen C0268389, MONDO:0007099, OMIM 105200.

Allele frequency attached by ClinVar (database versions not stated): gnomAD 0.00001; TOPMed 0.00001.

Submission:

MGZ Medical Genetics Center
Classification: Uncertain significance for Familial visceral amyloidosis, Ostertag type. Last evaluated: 2022-08-08. Review status: criteria provided, single submitter. Criteria: ACMG Guidelines, 2015. Collection method: clinical testing. Allele origin: germline. Affected: yes. Observed: 1 variant allele.
Comment: ACMG criteria applied: PM2_SUP

NM_021871.4(FGA):c.1120A>G (p.Thr374Ala)

Gene: FGA (fibrinogen alpha chain; minus strand). Cytogenetic location: 4q31.3.
Variant type: single nucleotide variant.
Coding change: c.1120A>G on transcript NM_021871.4 (MANE Select); coding-DNA position 1120, A replaced by G.
Protein change: p.Thr374Ala; replaces threonine 374 with alanine.
Molecular consequence: missense variant.
Genome position (GRCh38, 1-based): chr4:154,586,309, T>C on the plus strand (A>G on the coding strand, the complement: FGA is on the minus strand). VCF-style: chr4-154586309-T-C. GRCh37 (hg19) VCF-style: chr4-155507461-T-C.
Other names: c.1120A>G, p.Thr374Ala (NM_000508.5); short protein forms T374A.
Identifiers: ClinVar variation 1709728 (VCV001709728.2), dbSNP rs1730713439, ClinGen allele CA358530166.